The following is an entry in ClinVar:

NM_001111.5(ADAR):c.1405G>T (p.Ala469Ser)

Gene: ADAR (adenosine deaminase RNA specific; minus strand). Cytogenetic location: 1q21.3.
Variant type: single nucleotide variant.
Coding change: c.1405G>T on transcript NM_001111.5 (MANE Select); coding-DNA position 1405, G replaced by T.
Protein change: p.Ala469Ser; replaces alanine 469 with serine.
Molecular consequence: missense variant.
Genome position (GRCh38, 1-based): chr1:154,601,237, C>A on the plus strand (G>T on the coding strand, the complement: ADAR is on the minus strand). VCF-style: chr1-154601237-C-A. GRCh37 (hg19) VCF-style: chr1-154573713-C-A.
Other names: c.1405G>T, p.Ala469Ser (LRG_1212t1, NM_015840.4, NM_015841.4); c.520G>T, p.Ala174Ser (NM_001025107.3, NM_001193495.2, NM_001365046.1 and 3 more transcripts); c.1432G>T, p.Ala478Ser (NM_001365045.1); short protein forms A469S, A174S, A478S.
Identifiers: ClinVar variation 292777 (VCV000292777.8), dbSNP rs886045343, ClinGen allele CA10607939.

ClinVar aggregate classification (germline): Uncertain significance. Review status: criteria provided, multiple submitters, no conflicts (2 of 4 stars). 2 submissions from 2 submitters: Uncertain significance (2). Last evaluated 2023-10-19.

Conditions:
Symmetrical dyschromatosis of extremities (DSH). Also called: Dyschromatosis symmetrica hereditaria; RETICULATE ACROPIGMENTATION OF DOHI; SYMMETRIC DYSCHROMATOSIS OF THE EXTREMITIES; DYSCHROMATOSIS SYMMETRICA HEREDITARIA 1. Identifiers: Orphanet 41, MedGen C0406775, MONDO:0007483, OMIM 127400.
Aicardi-Goutieres syndrome 6 (AGS6). Identifiers: Orphanet 51, MedGen C3539013, MONDO:0014007, OMIM 615010.

Allele frequency attached by ClinVar (database versions not stated): gnomAD exomes below 0.00001 and 0.00001.
gnomAD v4.1: 3 of 1,614,238 alleles (0.00019%); highest among the groups gnomAD compares: Non-Finnish European, 0.00025%; no homozygotes.

Submissions (2):

Labcorp Genetics (formerly Invitae), Labcorp
Classification: Uncertain significance for Aicardi-Goutieres syndrome 6; Symmetrical dyschromatosis of extremities. Last evaluated: 2023-10-19. Review status: criteria provided, single submitter. Criteria: Invitae Variant Classification Sherloc (09022015). Collection method: clinical testing. Allele origin: germline.
Comment: This sequence change replaces alanine, which is neutral and non-polar, with serine, which is neutral and polar, at codon 469 of the ADAR protein (p.Ala469Ser). This variant is present in population databases (no rsID available, gnomAD 0.0009%). This variant has not been reported in the literature in individuals affected with ADAR-related conditions. ClinVar contains an entry for this variant (Variation ID: 292777). Advanced modeling of protein sequence and biophysical properties (such as structural, functional, and spatial information, amino acid conservation, physicochemical variation, residue mobility, and thermodynamic stability) performed at Invitae indicates that this missense variant is not expected to disrupt ADAR protein function. In summary, the available evidence is currently insufficient to determine the role of this variant in disease. Therefore, it has been classified as a Variant of Uncertain Significance.

Illumina Laboratory Services, Illumina
Classification: Uncertain significance for Symmetrical dyschromatosis of extremities. Last evaluated: 2018-01-12. Review status: criteria provided, single submitter. Criteria: ICSL Variant Classification Criteria 13 December 2019. Collection method: clinical testing. Allele origin: germline.